The following is an entry in ClinVar:

ClinVar aggregate classification (germline): Uncertain significance (1 of 4 stars; one submission).

Submission:

GeneDx
Classification: Uncertain significance. Last evaluated: 2025-06-23. Review status: criteria provided, single submitter. Criteria: GeneDx Variant Classification Process June 2021. Collection method: clinical testing. Allele origin: germline. Affected: yes.
Comment: Not observed at significant frequency in large population cohorts (gnomAD); In silico analysis suggests that this missense variant does not alter protein structure/function; Has not been previously published as pathogenic or benign to our knowledge

NM_181552.4(CUX1):c.3919G>A (p.Glu1307Lys)

Gene: CUX1 (cut like homeobox 1; plus strand). Cytogenetic location: 7q22.1.
Variant type: single nucleotide variant.
Coding change: c.3919G>A on transcript NM_181552.4 (MANE Select); coding-DNA position 3919, G replaced by A.
Protein change: p.Glu1307Lys; replaces glutamic acid 1307 with lysine.
Molecular consequence: missense variant. On other transcripts: intron variant (5).
Genome position (GRCh38, 1-based): chr7:102,248,443, G>A. VCF-style: chr7-102248443-G-A. GRCh37 (hg19) VCF-style: chr7-101891723-G-A.
Other names: c.3952G>A, p.Glu1318Lys (NM_001202543.2); c.1256-24923G>A (NM_001913.5); c.1250-24923G>A (NM_181500.4); c.1118-24923G>A (NM_001202545.3); c.1208-24923G>A (NM_001202544.3); c.1139-24923G>A (NM_001202546.3); short protein forms E1307K, E1318K.
Identifiers: ClinVar variation 4540134 (VCV004540134.1).